The following is an entry in ClinVar:

NM_001005361.3(DNM2):c.2058T>G (p.Asn686Lys)

Gene: DNM2 (dynamin 2; plus strand). Cytogenetic location: 19p13.2.
Variant type: single nucleotide variant.
Coding change: c.2058T>G on transcript NM_001005361.3 (MANE Select); coding-DNA position 2058, T replaced by G.
Protein change: p.Asn686Lys; replaces asparagine 686 with lysine.
Molecular consequence: missense variant.
Genome position (GRCh38, 1-based): chr19:10,825,221, T>G. VCF-style: chr19-10825221-T-G. GRCh37 (hg19) VCF-style: chr19-10935897-T-G.
Other names: c.2058T>G, p.Asn686Lys (NM_001005360.3, NM_001190716.2); c.2046T>G, p.Asn682Lys (NM_001005362.3, NM_004945.4); short protein forms N686K, N682K.
Identifiers: ClinVar variation 1395471 (VCV001395471.8), dbSNP rs1368089327, ClinGen allele CA404041815.
Genomic context (GRCh38, chr19:10,825,221, plus strand): 5'-CATCAACAAGTCCATCCGCGACCTCATGCCAAAGACCATCATGCACCTCATGATCAACAA[T>G]GTGAGTGGAGAACTAAAAATGAGAAGGAGGTAGCTGGGTGCGGTGGCTCACGCCTGTAAT-3'
Protein context (NP_001005361.1, residues 676-696): PKTIMHLMIN[Asn686Lys]TKAFIHHELL

ClinVar aggregate classification (germline): Uncertain significance (1 of 4 stars; one submission).

Conditions:
Charcot-Marie-Tooth disease dominant intermediate B (CMTDIB). Also called: Charcot-Marie-Tooth disease dominant intermediate 1; CMT DI1; Charcot-Marie-Tooth disease dominant intermediate I; CHARCOT-MARIE-TOOTH NEUROPATHY, DOMINANT INTERMEDIATE B. Identifiers: Orphanet 100044, Orphanet 228179, MedGen C1847902, MONDO:0011674, OMIM 606482.

Submission:

Labcorp Genetics (formerly Invitae), Labcorp
Classification: Uncertain significance for Charcot-Marie-Tooth disease dominant intermediate B. Last evaluated: 2022-02-04. Review status: criteria provided, single submitter. Criteria: Invitae Variant Classification Sherloc (09022015). Collection method: clinical testing. Allele origin: germline.
Comment: In summary, the available evidence is currently insufficient to determine the role of this variant in disease. Therefore, it has been classified as a Variant of Uncertain Significance. Algorithms developed to predict the effect of sequence changes on RNA splicing suggest that this variant may create or strengthen a splice site. Algorithms developed to predict the effect of missense changes on protein structure and function (SIFT, PolyPhen-2, Align-GVGD) all suggest that this variant is likely to be tolerated. This variant has not been reported in the literature in individuals affected with DNM2-related conditions. This variant is not present in population databases (gnomAD no frequency). This sequence change replaces asparagine, which is neutral and polar, with lysine, which is basic and polar, at codon 686 of the DNM2 protein (p.Asn686Lys).